The following is an entry in ClinVar:

NM_000222.3(KIT):c.1698C>A (p.Asn566Lys)

Gene: KIT (KIT proto-oncogene, receptor tyrosine kinase; plus strand). Cytogenetic location: 4q12.
Variant type: single nucleotide variant.
Coding change: c.1698C>A on transcript NM_000222.3 (MANE Select); coding-DNA position 1698, C replaced by A.
Protein change: p.Asn566Lys; replaces asparagine 566 with lysine.
Molecular consequence: missense variant.
Genome position (GRCh38, 1-based): chr4:54,727,466, C>A. VCF-style: chr4-54727466-C-A. GRCh37 (hg19) VCF-style: chr4-55593632-C-A.
Other names: c.1686C>A, p.Asn562Lys (NM_001093772.2, NM_001385286.1); c.1701C>A, p.Asn567Lys (NM_001385284.1, NM_001385290.1); c.1698C>A, p.Asn566Lys (NM_001385285.1); c.1689C>A, p.Asn563Lys (NM_001385288.1, NM_001385292.1); short protein forms N562K, N563K, N566K, N567K.
Identifiers: ClinVar variation 3618144 (VCV003618144.2).
Genomic context (GRCh38, chr4:54,727,466, plus strand): 5'-CTCCCCACAGAAACCCATGTATGAAGTACAGTGGAAGGTTGTTGAGGAGATAAATGGAAA[C>A]AATTATGTTTACATAGACCCAACACAACTTCCTTATGATCACAAATGGGAGTTTCCCAGA-3'
Protein context (NP_000213.1, residues 556-576): QWKVVEEING[Asn566Lys]NYVYIDPTQL

ClinVar aggregate classification (germline): Uncertain significance (1 of 4 stars; one submission).

Conditions:
Gastrointestinal stromal tumor. Also called: Gastrointestinal stromal tumor, somatic; Gastrointestinal stroma tumor. Identifiers: Orphanet 44890, MedGen C0238198, MeSH D046152, MONDO:0011719, OMIM 606764, HP:0100723.

Submission:

Labcorp Genetics (formerly Invitae), Labcorp
Classification: Uncertain significance for Gastrointestinal stromal tumor. Last evaluated: 2025-10-26. Review status: criteria provided, single submitter. Criteria: Invitae Variant Classification Sherloc (09022015). Collection method: clinical testing. Allele origin: germline.
Comment: This sequence change replaces asparagine, which is neutral and polar, with lysine, which is basic and polar, at codon 566 of the KIT protein (p.Asn566Lys). This variant is not present in population databases (gnomAD no frequency). This variant has not been reported in the literature in individuals affected with KIT-related conditions. ClinVar contains an entry for this variant (Variation ID: 3618144). An algorithm developed to predict the effect of missense changes on protein structure and function (PolyPhen-2) suggests that this variant is likely to be disruptive. In summary, the available evidence is currently insufficient to determine the role of this variant in disease. Therefore, it has been classified as a Variant of Uncertain Significance.